The following is an entry in ClinVar:

ClinVar aggregate classification (germline): Pathogenic (1 of 4 stars; one submission).

Conditions:
Wieacker-Wolff syndrome, female-restricted (WRWFFR). Identifiers: MedGen C5393303, MONDO:0026762, OMIM 301041.

Submission:

Broad Center for Mendelian Genomics, Broad Institute of MIT and Harvard
Classification: Pathogenic for Wieacker-Wolff syndrome, female-restricted. Last evaluated: 2024-12-09. Review status: criteria provided, single submitter. Criteria: ACMG/ClinGen CNV Guidelines, 2019. Collection method: research. Allele origin: maternal. Inheritance: X-linked inheritance. Affected: yes. Study: GREGoR Consortium.
Comment: These breakpoints have been estimated by exome sequencing only and therefore may not reflect the true breakpoints. The patient phenotype is nonspecific, but is consistent with cases described in the literature. A similar variant has also been reported in ClinVar (Variation ID: 978034) and has been interpreted as pathogenic by the Undiagnosed Diseases Network (NIH). Six reported female probands with arthrogryposis multiplex congenita from the literature have a de novo copy-number loss similar in genomic content to the variant in our study (PMID: 31206972, 34484757). This intragenic variant deletes the first coding exon and is predicted to cause loss of the methionine initiation codon. This alteration is then predicted to lead to a truncated or absent protein. There is potential for translational reinitiation from a downstream methionine in the downstream exon. Heterozygous loss of function of the ZC4H2 gene is an established disease mechanism in X-linked Wieacker-Wolff syndrome. In summary, this variant meets criteria to be classified as pathogenic for X-linked Wieacker-Wolff syndrome. The ACMG/ClinGen evidence codes and points used in this curation are as follows: 1: 0 points, 2: 0.9 points, 3: 0 points, 4-5: 0.9 points; Total: 1.8 points; Riggs 2020 (PMID: 31690835).

Literature cited by the submitters: PubMed 31206972; PubMed 34484757.

GRCh38/hg38 Xq11.2(chrX:64951692-65166933)x1

Genes: ZC3H12B (zinc finger CCCH-type containing 12B; plus strand), ZC4H2 (zinc finger C4H2-type containing; minus strand), LOC130068372 (ATAC-STARR-seq lymphoblastoid silent region 20879; plus strand), LOC130068373 (ATAC-STARR-seq lymphoblastoid silent region 20880; plus strand), LOC130068374 (ATAC-STARR-seq lymphoblastoid active region 29712; plus strand). Cytogenetic location: Xq11.2.
Variant type: copy number loss.
Change: copy number 1 of chrX:64,951,692-65,166,933 (215.2 kb, GRCh38 coordinates, 1-based), cytogenetic band Xq11.2.
Identifiers: ClinVar variation 3571456 (VCV003571456.1).